The following is an entry in ClinVar:

ClinVar aggregate classification (germline): Uncertain significance. Review status: criteria provided, multiple submitters, no conflicts (2 of 4 stars). 2 submissions from 2 submitters: Uncertain significance (2). Last evaluated 2022-05-27.

Conditions:
Hereditary cancer-predisposing syndrome. Also called: Hereditary Cancer Syndrome; Hereditary neoplastic syndrome; Neoplastic Syndromes, Hereditary; Tumor predisposition. Identifiers: Orphanet 140162, MedGen C0027672, MeSH D009386, MONDO:0015356.

Submissions (2):

GeneDx
Classification: Uncertain significance. Last evaluated: 2022-05-27. Review status: criteria provided, single submitter. Criteria: GeneDx Variant Classification Process June 2021. Collection method: clinical testing. Allele origin: germline. Affected: yes.
Comment: Not observed at significant frequency in large population cohorts (gnomAD); In silico analysis supports that this missense variant does not alter protein structure/function; Has not been previously published as pathogenic or benign to our knowledge

Ambry Genetics
Classification: Uncertain significance for Hereditary cancer-predisposing syndrome. Last evaluated: 2022-03-23. Review status: criteria provided, single submitter. Criteria: Ambry Variant Classification Scheme 2023. Collection method: clinical testing. Allele origin: germline.
Comment: The p.D198Y variant (also known as c.592G>T), located in coding exon 3 of the FLCN gene, results from a G to T substitution at nucleotide position 592. The aspartic acid at codon 198 is replaced by tyrosine, an amino acid with highly dissimilar properties. This amino acid position is conserved. In addition, the in silico prediction for this alteration is inconclusive. Since supporting evidence is limited at this time, the clinical significance of this alteration remains unclear.

NM_144997.7(FLCN):c.592G>T (p.Asp198Tyr)

Gene: FLCN (folliculin; minus strand). Cytogenetic location: 17p11.2.
Variant type: single nucleotide variant.
Coding change: c.592G>T on transcript NM_144997.7 (MANE Select); coding-DNA position 592, G replaced by T.
Protein change: p.Asp198Tyr; replaces aspartic acid 198 with tyrosine.
Molecular consequence: missense variant.
Genome position (GRCh38, 1-based): chr17:17,223,948, C>A on the plus strand (G>T on the coding strand, the complement: FLCN is on the minus strand). VCF-style: chr17-17223948-C-A. GRCh37 (hg19) VCF-style: chr17-17127262-C-A.
Other names: c.646G>T, p.Asp216Tyr (NM_001353229.2); c.592G>T, p.Asp198Tyr (NM_001353230.2, NM_001353231.2, NM_144606.7); short protein forms D198Y, D216Y.
Identifiers: ClinVar variation 1750564 (VCV001750564.3), dbSNP rs200168437, ClinGen allele CA398534225.